The following is an entry in ClinVar:

NM_032119.4(ADGRV1):c.9688G>T (p.Gly3230Cys)

Gene: ADGRV1 (adhesion G protein-coupled receptor V1; plus strand). Cytogenetic location: 5q14.3.
Variant type: single nucleotide variant.
Coding change: c.9688G>T on transcript NM_032119.4 (MANE Select); coding-DNA position 9688, G replaced by T.
Protein change: p.Gly3230Cys; replaces glycine 3230 with cysteine.
Molecular consequence: missense variant. On other transcripts: non-coding transcript variant (1).
Genome position (GRCh38, 1-based): chr5:90,720,999, G>T. VCF-style: chr5-90720999-G-T. GRCh37 (hg19) VCF-style: chr5-90016816-G-T.
Other names: short protein forms G3230C.
Identifiers: ClinVar variation 2127076 (VCV002127076.4), dbSNP rs2531269848, ClinGen allele CA360400788.

ClinVar aggregate classification (germline): Uncertain significance (1 of 4 stars; one submission).

Submission:

Labcorp Genetics (formerly Invitae), Labcorp
Classification: Uncertain significance. Last evaluated: 2022-08-30. Review status: criteria provided, single submitter. Criteria: Invitae Variant Classification Sherloc (09022015). Collection method: clinical testing. Allele origin: germline.
Comment: This sequence change replaces glycine, which is neutral and non-polar, with cysteine, which is neutral and slightly polar, at codon 3230 of the ADGRV1 protein (p.Gly3230Cys). This variant is not present in population databases (gnomAD no frequency). This variant has not been reported in the literature in individuals affected with ADGRV1-related conditions. Algorithms developed to predict the effect of missense changes on protein structure and function are either unavailable or do not agree on the potential impact of this missense change (SIFT: "Deleterious"; PolyPhen-2: "Possibly Damaging"; Align-GVGD: "Class C0"). In summary, the available evidence is currently insufficient to determine the role of this variant in disease. Therefore, it has been classified as a Variant of Uncertain Significance.